The following is an entry in ClinVar:

NM_003737.4(DCHS1):c.1196C>T (p.Ala399Val)

Gene: DCHS1 (dachsous cadherin-related 1; minus strand). Cytogenetic location: 11p15.4.
Variant type: single nucleotide variant.
Coding change: c.1196C>T on transcript NM_003737.4 (MANE Select); coding-DNA position 1196, C replaced by T.
Protein change: p.Ala399Val; replaces alanine 399 with valine.
Molecular consequence: missense variant.
Genome position (GRCh38, 1-based): chr11:6,640,418, G>A on the plus strand (C>T on the coding strand, the complement: DCHS1 is on the minus strand). VCF-style: chr11-6640418-G-A. GRCh37 (hg19) VCF-style: chr11-6661649-G-A.
Other names: short protein forms A399V.
Identifiers: ClinVar variation 3057562 (VCV003057562.4), dbSNP rs183732627, ClinGen allele CA5861007.

ClinVar aggregate classification (germline): Uncertain significance. Review status: criteria provided, single submitter (1 of 4 stars). 2 submissions from 2 submitters: Uncertain significance (1). 1 of the submissions does not count toward it. Last evaluated 2024-09-03.

Conditions:
DCHS1-related disorder. Also called: DCHS1-related condition.

Allele frequency attached by ClinVar (database versions not stated): gnomAD 0.00001; ExAC 0.00005; 1000 Genomes Project 30x 0.00016; 1000 Genomes Project 0.00020.
gnomAD v4.1: 44 of 1,613,946 alleles (0.0027%); highest among the groups gnomAD compares: East Asian, 0.096%; no homozygotes.

Submissions (2):

Labcorp Genetics (formerly Invitae), Labcorp
Classification: Uncertain significance. Last evaluated: 2024-09-03. Review status: criteria provided, single submitter. Criteria: Invitae Variant Classification Sherloc (09022015). Collection method: clinical testing. Allele origin: germline.
Comment: This sequence change replaces alanine, which is neutral and non-polar, with valine, which is neutral and non-polar, at codon 399 of the DCHS1 protein (p.Ala399Val). This variant is present in population databases (rs183732627, gnomAD 0.03%). This variant has not been reported in the literature in individuals affected with DCHS1-related conditions. Invitae Evidence Modeling of protein sequence and biophysical properties (such as structural, functional, and spatial information, amino acid conservation, physicochemical variation, residue mobility, and thermodynamic stability) indicates that this missense variant is not expected to disrupt DCHS1 protein function with a negative predictive value of 95%. In summary, the available evidence is currently insufficient to determine the role of this variant in disease. Therefore, it has been classified as a Variant of Uncertain Significance.

PreventionGenetics, part of Exact Sciences
Classification: Uncertain significance for DCHS1-related condition. Last evaluated: 2024-01-24. Review status: no assertion criteria provided. Collection method: clinical testing. Allele origin: germline. Not counted in ClinVar's aggregate classification.
Comment: The DCHS1 c.1196C>T variant is predicted to result in the amino acid substitution p.Ala399Val. To our knowledge, this variant has not been reported in the literature. This variant is reported in 0.033% of alleles in individuals of East Asian descent in gnomAD. At this time, the clinical significance of this variant is uncertain due to the absence of conclusive functional and genetic evidence.